The following is an entry in ClinVar:

NM_001267550.2(TTN):c.12514C>G (p.Pro4172Ala)

Gene: TTN (titin; minus strand). Cytogenetic location: 2q31.2.
Variant type: single nucleotide variant.
Coding change: c.12514C>G on transcript NM_001267550.2 (MANE Select); coding-DNA position 12514, C replaced by G.
Protein change: p.Pro4172Ala; replaces proline 4172 with alanine.
Molecular consequence: missense variant. On other transcripts: intron variant (1).
Genome position (GRCh38, 1-based): chr2:178,740,719, G>C on the plus strand (C>G on the coding strand, the complement: TTN is on the minus strand). VCF-style: chr2-178740719-G-C. GRCh37 (hg19) VCF-style: chr2-179605446-G-C.
Other names: c.11563C>G, p.Pro3855Ala (NM_001256850.1); c.11425C>G, p.Pro3809Ala (NM_003319.4); c.11800C>G, p.Pro3934Ala (NM_133432.3); c.12001C>G, p.Pro4001Ala (NM_133437.4); c.10361-2359C>G (NM_133378.4); short protein forms P3809A, P3855A, P3934A, P4001A, P4172A.
Identifiers: ClinVar variation 1315120 (VCV001315120.2), dbSNP rs2154318330, ClinGen allele CA349614797.

ClinVar aggregate classification (germline): Uncertain significance (1 of 4 stars; one submission).

Submission:

GeneDx
Classification: Uncertain significance. Last evaluated: 2020-01-31. Review status: criteria provided, single submitter. Criteria: GeneDx Variant Classification Process June 2021. Collection method: clinical testing. Allele origin: germline. Affected: yes.
Comment: Not observed in large population cohorts (Lek et al., 2016); Missense variant in a gene in which most reported pathogenic variants are truncating/loss-of-function; Has not been previously published as pathogenic or benign to our knowledge